The following is an entry in ClinVar:

ClinVar aggregate classification (germline): Conflicting classifications of pathogenicity. Review status: criteria provided, conflicting classifications (1 of 4 stars). 4 submissions from 4 submitters: Uncertain significance (3); Likely benign (1). Last evaluated 2025-12-11.

Conditions:
Inborn genetic diseases. Identifiers: MedGen C0950123, MeSH D030342.
DMXL2-related disorder. Also called: DMXL2-related condition.

Allele frequency attached by ClinVar (database versions not stated): ExAC 0.00005; gnomAD exomes 0.00010 and 0.00022.

Submissions (4):

PreventionGenetics, part of Exact Sciences
Classification: Uncertain significance for DMXL2-related condition. Last evaluated: 2025-12-11. Review status: criteria provided, single submitter. Criteria: ACMG Guidelines, 2015. Collection method: clinical testing. Allele origin: germline.
Comment: The DMXL2 c.1290T>G variant is predicted to result in the amino acid substitution p.Asp430Glu. To our knowledge, this variant has not been reported in the literature. This variant is reported in 0.021% of alleles in individuals of European (Non-Finnish) descent in gnomAD. At this time, the clinical significance of this variant is uncertain due to the absence of conclusive functional and genetic evidence.

CeGaT Center for Human Genetics Tuebingen
Classification: Likely benign. Last evaluated: 2025-07-01. Review status: criteria provided, single submitter. Criteria: CeGaT Center For Human Genetics Tuebingen Variant Classification Criteria Version 2. Collection method: clinical testing. Allele origin: germline. Affected: yes. Observed: 2 variant alleles.
Comment: DMXL2: BP4

Labcorp Genetics (formerly Invitae), Labcorp
Classification: Uncertain significance. Last evaluated: 2024-11-03. Review status: criteria provided, single submitter. Criteria: Invitae Variant Classification Sherloc (09022015). Collection method: clinical testing. Allele origin: germline.
Comment: This sequence change replaces aspartic acid, which is acidic and polar, with glutamic acid, which is acidic and polar, at codon 430 of the DMXL2 protein (p.Asp430Glu). This variant is present in population databases (rs775660410, gnomAD 0.02%), including at least one homozygous and/or hemizygous individual. This variant has not been reported in the literature in individuals affected with DMXL2-related conditions. ClinVar contains an entry for this variant (Variation ID: 1357839). An algorithm developed to predict the effect of missense changes on protein structure and function outputs the following: PolyPhen-2: "Benign". The glutamic acid amino acid residue is found in multiple mammalian species, which suggests that this missense change does not adversely affect protein function. In summary, the available evidence is currently insufficient to determine the role of this variant in disease. Therefore, it has been classified as a Variant of Uncertain Significance.

Ambry Genetics
Classification: Uncertain significance for Inborn genetic diseases. Last evaluated: 2021-08-02. Review status: criteria provided, single submitter. Criteria: Ambry Variant Classification Scheme 2023. Collection method: clinical testing. Allele origin: germline.

NM_001378457.1(DMXL2):c.1290T>G (p.Asp430Glu)

Gene: DMXL2 (Dmx like 2; minus strand). Cytogenetic location: 15q21.2.
Variant type: single nucleotide variant.
Coding change: c.1290T>G on transcript NM_001378457.1 (MANE Select); coding-DNA position 1290, T replaced by G.
Protein change: p.Asp430Glu; replaces aspartic acid 430 with glutamic acid.
Molecular consequence: missense variant. On other transcripts: non-coding transcript variant (2), intron variant (1).
Genome position (GRCh38, 1-based): chr15:51,538,268, A>C on the plus strand (T>G on the coding strand, the complement: DMXL2 is on the minus strand). VCF-style: chr15-51538268-A-C. GRCh37 (hg19) VCF-style: chr15-51830465-A-C.
Other names: c.1290T>G, p.Asp430Glu (NM_001174116.3, NM_001174117.3, NM_001378458.1 and 6 more transcripts); c.1106-509T>G (NM_001378464.1); c.1290T>G (NM_001174116.1); short protein forms D430E.
Identifiers: ClinVar variation 1357839 (VCV001357839.29), dbSNP rs775660410, ClinGen allele CA7562628.